The following is an entry in ClinVar:

ClinVar aggregate classification (germline): Likely benign. Review status: criteria provided, multiple submitters, no conflicts (2 of 4 stars). 3 submissions from 3 submitters: Likely benign (3). Last evaluated 2025-12-24.

Conditions:
Dilated cardiomyopathy 1G (CMD1G). Identifiers: Orphanet 154, MedGen C1858763, MONDO:0011400, OMIM 604145.
Autosomal recessive limb-girdle muscular dystrophy type 2J (LGMDR10). Also called: MUSCULAR DYSTROPHY, LIMB-GIRDLE, AUTOSOMAL RECESSIVE 10; Limb-girdle muscular dystrophy, type 2J. Identifiers: Orphanet 140922, MedGen C1837342, MONDO:0012127, OMIM 608807.
Cardiovascular phenotype. Identifiers: MedGen CN230736.

gnomAD v4.1: 8 of 1,613,528 alleles (0.0005%); highest among the groups gnomAD compares: East Asian, 0.0067%; no homozygotes.

Submissions (3):

Ambry Genetics
Classification: Likely benign for Cardiovascular phenotype. Last evaluated: 2025-12-24. Review status: criteria provided, single submitter. Criteria: Ambry Variant Classification Scheme 2023. Collection method: clinical testing. Allele origin: germline.

Labcorp Genetics (formerly Invitae), Labcorp
Classification: Likely benign for Dilated cardiomyopathy 1G; Autosomal recessive limb-girdle muscular dystrophy type 2J. Last evaluated: 2025-12-13. Review status: criteria provided, single submitter. Criteria: Invitae Variant Classification Sherloc (09022015). Collection method: clinical testing. Allele origin: germline.

GeneDx
Classification: Likely benign. Last evaluated: 2018-03-27. Review status: criteria provided, single submitter. Criteria: GeneDx Variant Classification (06012015). Collection method: clinical testing. Allele origin: germline. Affected: yes.
Comment: This variant is considered likely benign or benign based on one or more of the following criteria: it is a conservative change, it occurs at a poorly conserved position in the protein, it is predicted to be benign by multiple in silico algorithms, and/or has population frequency not consistent with disease.

NM_001267550.2(TTN):c.14232C>T (p.Asp4744=)

Gene: TTN (titin; minus strand). Cytogenetic location: 2q31.2.
Variant type: single nucleotide variant.
Coding change: c.14232C>T on transcript NM_001267550.2 (MANE Select); coding-DNA position 14232, C replaced by T.
Protein change: p.Asp4744=; no amino-acid change (aspartic acid 4744 retained).
Molecular consequence: synonymous variant.
Genome position (GRCh38, 1-based): chr2:178,738,221, G>A on the plus strand (C>T on the coding strand, the complement: TTN is on the minus strand). VCF-style: chr2-178738221-G-A. GRCh37 (hg19) VCF-style: chr2-179602948-G-A.
Other names: c.13281C>T, p.Asp4427= (NM_001256850.1); c.13143C>T, p.Asp4381= (NM_003319.4); c.10500C>T, p.Asp3500= (NM_133378.4); c.13518C>T, p.Asp4506= (NM_133432.3); c.13719C>T, p.Asp4573= (NM_133437.4).
Identifiers: ClinVar variation 681526 (VCV000681526.4), dbSNP rs55906845, ClinGen allele CA2002445.
Genomic context (GRCh38, chr2:178,738,221, plus strand): 5'-CACCTGGGTTCTCAGGATTTCAAGGCTGGAGATATACTTTGAAGATCGAATAGAACACTT[G>A]TCACTCTCATAAATTTCTCGGCCAGCTTTAAACCACTGGAACCGGACATTGGGAGCACTT-3'
Protein context (NP_001254479.2, residues 4734-4754): FKAGREIYES[Asp4744=]KCSIRSSKYI